The following is an entry in ClinVar:

NM_021072.4(HCN1):c.849+2T>A

Gene: HCN1 (hyperpolarization activated cyclic nucleotide gated potassium channel 1; minus strand). Cytogenetic location: 5p12.
Variant type: single nucleotide variant.
Coding change: c.849+2T>A on transcript NM_021072.4 (MANE Select); the canonical splice donor site of the intron after coding-DNA position 849, T replaced by A.
Molecular consequence: splice donor variant.
Genome position (GRCh38, 1-based): chr5:45,645,183, A>T on the plus strand (T>A on the coding strand, the complement: HCN1 is on the minus strand). VCF-style: chr5-45645183-A-T. GRCh37 (hg19) VCF-style: chr5-45645285-A-T.
Identifiers: ClinVar variation 4685082 (VCV004685082.1).
Genomic context (GRCh38, chr5:45,645,183, plus strand): 5'-TAAAACAGCCATAATTAACAATTTCATGATATAGATTTAAAAAAGAAAAAGATGCATCTT[A>T]CCTCTTCCCATTGATGTATGTATCTAATTAACCTTGAAAGTCGTAATAAACGCAAGAGAC-3'

ClinVar aggregate classification (germline): Uncertain significance (1 of 4 stars; one submission).

Submission:

GeneDx
Classification: Uncertain significance. Last evaluated: 2025-07-10. Review status: criteria provided, single submitter. Criteria: GeneDx Variant Classification Process June 2021. Collection method: clinical testing. Allele origin: germline. Affected: yes.
Comment: Not observed at significant frequency in large population cohorts (gnomAD); Canonical splice site variant in a gene or region of a gene for which loss of function is not a well-established mechanism of disease; Has not been previously published as pathogenic or benign to our knowledge